The following is an entry in ClinVar:

NM_000503.6(EYA1):c.1748T>C (p.Leu583Pro)

Gene: EYA1 (EYA transcriptional coactivator and phosphatase 1; minus strand). Cytogenetic location: 8q13.3.
Variant type: single nucleotide variant.
Coding change: c.1748T>C on transcript NM_000503.6 (MANE Select); coding-DNA position 1748, T replaced by C.
Protein change: p.Leu583Pro; replaces leucine 583 with proline.
Molecular consequence: missense variant.
Genome position (GRCh38, 1-based): chr8:71,199,371, A>G on the plus strand (T>C on the coding strand, the complement: EYA1 is on the minus strand). VCF-style: chr8-71199371-A-G. GRCh37 (hg19) VCF-style: chr8-72111606-A-G.
Other names: c.1730T>C, p.Leu577Pro (NM_001288574.2, NM_172059.5); c.1382T>C, p.Leu461Pro (NM_001288575.2); c.1835T>C, p.Leu612Pro (NM_001370333.1); c.1748T>C, p.Leu583Pro (NM_001370334.1, NM_001370335.1, NM_172058.4); c.1727T>C, p.Leu576Pro (NM_001370336.1); short protein forms L583P, L577P, L612P, L461P, L576P.
Identifiers: ClinVar variation 48106 (VCV000048106.8), dbSNP rs397517920, ClinGen allele CA262038.
Genomic context (GRCh38, chr8:71,199,371, plus strand): 5'-GCTGTGCGCTGTCAAAGTGCCGAGCGCTGTTACAGGTACTCCAGTTCCAAGGCATGGTGC[A>G]GGGCCATGAGGTCCGAGTGGCTGGAGATCCTCCAGAAGGGCATCGCGTGCTGCAGCAGAG-3'
Protein context (NP_000494.2, residues 573-592): RISSHSDLMA[Leu583Pro]HHALELEYL

ClinVar aggregate classification (germline): Likely pathogenic. Review status: criteria provided, multiple submitters, no conflicts (2 of 4 stars). 4 submissions from 4 submitters: Likely pathogenic (3). 1 of the submissions does not count toward it. Last evaluated 2022-04-15.

Conditions:
Rare genetic deafness. Identifiers: Orphanet 96210, MedGen C5680250.
Branchiootic syndrome 1 (BOS1). Also called: BO SYNDROME 1; BRANCHIOOTIC DYSPLASIA. Identifiers: MedGen C1865143, MONDO:0011258, OMIM 602588.
Branchiootorenal syndrome 1. Also called: Branchio-Oto-Renal Syndrome 1. Identifiers: Orphanet 107, MedGen C4551702, MONDO:0007236, OMIM 113650.
Otofaciocervical syndrome 1 (OTFCS). Identifiers: MedGen C3714941, MONDO:0024532, OMIM 166780.
Focal segmental glomerulosclerosis (FSGS). Also called: Glomerulosclerosis, focal; Focal sclerosis with hyalinosis. Identifiers: MedGen C0017668, MONDO:0100313, HP:0000097. Disease mechanism: loss of function.

Submissions (4):

GeneDx
Classification: Likely pathogenic. Last evaluated: 2022-04-15. Review status: criteria provided, single submitter. Criteria: GeneDx Variant Classification Process June 2021. Collection method: clinical testing. Allele origin: germline. Affected: yes.
Comment: Not observed at significant frequency in large population cohorts (gnomAD); In silico analysis supports that this missense variant has a deleterious effect on protein structure/function; This variant is associated with the following publications: (PMID: 23435380, 17637804, 24752894, 31049720, 10991693)

Fulgent Genetics
Classification: Likely pathogenic for Branchiootorenal syndrome 1; Otofaciocervical syndrome 1; Branchiootic syndrome 1. Last evaluated: 2018-10-31. Review status: criteria provided, single submitter. Criteria: ACMG Guidelines, 2015. Collection method: clinical testing. Allele origin: unknown.

Laboratory for Molecular Medicine, Mass General Brigham Personalized Medicine
Classification: Likely pathogenic for Rare genetic deafness. Last evaluated: 2012-12-28. Review status: criteria provided, single submitter. Criteria: LMM Criteria. Collection method: clinical testing. Allele origin: germline. Inheritance: Autosomal dominant inheritance. Observed: 3 variant alleles.
Comment: The Leu583Pro variant in EYA1 has been identified in two probands with clinical features of Branchio-oto-renal syndrome (BOR), was absent from 85 controls, and segregated with clinical features in one affected family member (Rickard 2000, L MM unpublished data). In addition, this residue is conserved across species, and computational analyses (biochemical amino acid properties, homology, PolyPhen2, SIFT) suggest that the variant may impact the protein. In summary, this variant is likely to be pathogenic.

Yale Center for Mendelian Genomics, Yale University
Classification: Likely pathogenic for Focal segmental glomerulosclerosis. Last evaluated: 2020-05-03. Review status: no assertion criteria provided. Collection method: literature only. Allele origin: germline. Affected: yes. Observed: 1 heterozygote. Study: Yale Center for Mendelian Genomics. Not counted in ClinVar's aggregate classification.

Literature cited by the submitters: PubMed 10991693 (cited by Laboratory for Molecular Medicine, Mass General Brigham Personalized Medicine); PubMed 31049720 (cited by Yale Center for Mendelian Genomics, Yale University).